The following is an entry in ClinVar:

NM_001018005.2(TPM1):c.240+8C>T

Gene: TPM1 (tropomyosin 1; plus strand). Cytogenetic location: 15q22.2.
Variant type: single nucleotide variant.
Coding change: c.240+8C>T on transcript NM_001018005.2 (MANE Select); 8 bases into the intron after coding-DNA position 240, C replaced by T.
Molecular consequence: intron variant.
Genome position (GRCh38, 1-based): chr15:63,044,160, C>T. VCF-style: chr15-63044160-C-T. GRCh37 (hg19) VCF-style: chr15-63336359-C-T.
Other names: c.366+8C>T (NM_001365778.1); c.240+329C>T (NM_001018020.2, NM_001018007.2, NM_001301244.2); c.240+8C>T (NM_001018006.2, NM_001365776.1, NM_001018004.2 and 3 more transcripts).
Identifiers: ClinVar variation 2060551 (VCV002060551.4), dbSNP rs1205251150, ClinGen allele CA392718774.

ClinVar aggregate classification (germline): Uncertain significance (1 of 4 stars; one submission).

Conditions:
Hypertrophic cardiomyopathy. Also called: HYPERTROPHIC MYOCARDIOPATHY. Identifiers: Orphanet 217569, MedGen C0007194, MeSH D002312, MONDO:0005045, HP:0001639.

Allele frequency attached by ClinVar (database versions not stated): TOPMed 0.00002; gnomAD 0.00001; gnomAD exomes 0.00001.
gnomAD v4.1: 18 of 1,614,080 alleles (0.0011%); highest among the groups gnomAD compares: Non-Finnish European, 0.0014%; no homozygotes.

Submission:

Labcorp Genetics (formerly Invitae), Labcorp
Classification: Uncertain significance for Hypertrophic cardiomyopathy. Last evaluated: 2023-07-31. Review status: criteria provided, single submitter. Criteria: Invitae Variant Classification Sherloc (09022015). Collection method: clinical testing. Allele origin: germline.
Comment: In summary, the available evidence is currently insufficient to determine the role of this variant in disease. Therefore, it has been classified as a Variant of Uncertain Significance. Algorithms developed to predict the effect of sequence changes on RNA splicing suggest that this variant may create or strengthen a splice site. ClinVar contains an entry for this variant (Variation ID: 2060551). This variant has not been reported in the literature in individuals affected with TPM1-related conditions. This variant is present in population databases (no rsID available, gnomAD 0.0009%). This sequence change falls in intron 2 of the TPM1 gene. It does not directly change the encoded amino acid sequence of the TPM1 protein.